The following is an entry in ClinVar:

ClinVar aggregate classification (germline): Uncertain significance (1 of 4 stars; one submission).

Submission:

Mayo Clinic Laboratories, Mayo Clinic
Classification: Uncertain significance. Last evaluated: 2025-10-30. Review status: criteria provided, single submitter. Criteria: ACMG Guidelines, 2015. Collection method: clinical testing. Allele origin: germline. Observed: 1 variant allele.
Comment: PP3_moderate, PM2_supporting

NM_020365.5(EIF2B3):c.59C>T (p.Thr20Ile)

Gene: EIF2B3 (eukaryotic translation initiation factor 2B subunit gamma; minus strand). Cytogenetic location: 1p34.1.
Variant type: single nucleotide variant.
Coding change: c.59C>T on transcript NM_020365.5 (MANE Select); coding-DNA position 59, C replaced by T.
Protein change: p.Thr20Ile; replaces threonine 20 with isoleucine.
Molecular consequence: missense variant.
Genome position (GRCh38, 1-based): chr1:44,981,110, G>A on the plus strand (C>T on the coding strand, the complement: EIF2B3 is on the minus strand). VCF-style: chr1-44981110-G-A. GRCh37 (hg19) VCF-style: chr1-45446782-G-A.
Other names: p.Thr20Ile; c.59C>T, p.Thr20Ile (NM_001166588.3, NM_001261418.2); short protein forms T20I.
Identifiers: ClinVar variation 4541064 (VCV004541064.1).